The following is an entry in ClinVar:

NM_000066.4(C8B):c.406C>T (p.Arg136Cys)

Gene: C8B (complement C8 beta chain; minus strand). Cytogenetic location: 1p32.2.
Variant type: single nucleotide variant.
Coding change: c.406C>T on transcript NM_000066.4 (MANE Select); coding-DNA position 406, C replaced by T.
Protein change: p.Arg136Cys; replaces arginine 136 with cysteine.
Molecular consequence: missense variant.
Genome position (GRCh38, 1-based): chr1:56,954,813, G>A on the plus strand (C>T on the coding strand, the complement: C8B is on the minus strand). VCF-style: chr1-56954813-G-A. GRCh37 (hg19) VCF-style: chr1-57420486-G-A.
Other names: c.250C>T, p.Arg84Cys (NM_001278543.2); c.220C>T, p.Arg74Cys (NM_001278544.2); c.406C>T (NM_000066.2); short protein forms R84C, R136C, R74C.
Identifiers: ClinVar variation 1377218 (VCV001377218.5), dbSNP rs376708486, ClinGen allele CA875984.

ClinVar aggregate classification (germline): Uncertain significance. Review status: criteria provided, multiple submitters, no conflicts (2 of 4 stars). 2 submissions from 2 submitters: Uncertain significance (2). Last evaluated 2025-01-13.

Conditions:
Inborn genetic diseases. Identifiers: MedGen C0950123, MeSH D030342.

Allele frequency attached by ClinVar (database versions not stated): ExAC 0.00002; gnomAD exomes 0.00002; TOPMed 0.00003; gnomAD 0.00004 and 0.00005; ESP Exome Variant Server 0.00008; 1000 Genomes Project 30x 0.00016; 1000 Genomes Project 0.00020.
gnomAD v4.1: 43 of 1,614,080 alleles (0.0027%); highest among the groups gnomAD compares: Middle Eastern, 0.016%; no homozygotes.

Submissions (2):

Labcorp Genetics (formerly Invitae), Labcorp
Classification: Uncertain significance. Last evaluated: 2025-01-13. Review status: criteria provided, single submitter. Criteria: Invitae Variant Classification Sherloc (09022015). Collection method: clinical testing. Allele origin: germline.
Comment: This sequence change replaces arginine, which is basic and polar, with cysteine, which is neutral and slightly polar, at codon 136 of the C8B protein (p.Arg136Cys). This variant is present in population databases (rs376708486, gnomAD 0.008%). This variant has not been reported in the literature in individuals affected with C8B-related conditions. ClinVar contains an entry for this variant (Variation ID: 1377218). An algorithm developed to predict the effect of missense changes on protein structure and function (PolyPhen-2) suggests that this variant is likely to be disruptive. In summary, the available evidence is currently insufficient to determine the role of this variant in disease. Therefore, it has been classified as a Variant of Uncertain Significance.

Ambry Genetics
Classification: Uncertain significance for Inborn genetic diseases. Last evaluated: 2024-07-31. Review status: criteria provided, single submitter. Criteria: Ambry Variant Classification Scheme 2023. Collection method: clinical testing. Allele origin: germline.